The following is an entry in ClinVar:

ClinVar aggregate classification (germline): Uncertain significance (1 of 4 stars; one submission).

Conditions:
Inborn genetic diseases. Identifiers: MedGen C0950123, MeSH D030342.

Allele frequency attached by ClinVar (database versions not stated): gnomAD exomes below 0.00001.
gnomAD v4.1: 1 of 1,613,726 alleles (0.000062%); highest among the groups gnomAD compares: East Asian, 0.0022%; no homozygotes.

Submission:

Ambry Genetics
Classification: Uncertain significance for Inborn genetic diseases. Last evaluated: 2023-11-06. Review status: criteria provided, single submitter. Criteria: Ambry Variant Classification Scheme 2023. Collection method: clinical testing. Allele origin: germline.
Comment: The p.S516N variant (also known as c.1547G>A), located in coding exon 11 of the EPAS1 gene, results from a G to A substitution at nucleotide position 1547. The serine at codon 516 is replaced by asparagine, an amino acid with highly similar properties. This amino acid position is conserved. In addition, this alteration is predicted to be tolerated by in silico analysis. Since supporting evidence is limited at this time, the clinical significance of this alteration remains unclear.

NM_001430.5(EPAS1):c.1547G>A (p.Ser516Asn)

Gene: EPAS1 (endothelial PAS domain protein 1; plus strand). Cytogenetic location: 2p21.
Variant type: single nucleotide variant.
Coding change: c.1547G>A on transcript NM_001430.5 (MANE Select); coding-DNA position 1547, G replaced by A.
Protein change: p.Ser516Asn; replaces serine 516 with asparagine.
Molecular consequence: missense variant.
Genome position (GRCh38, 1-based): chr2:46,378,760, G>A. VCF-style: chr2-46378760-G-A. GRCh37 (hg19) VCF-style: chr2-46605899-G-A.
Other names: short protein forms S516N.
Identifiers: ClinVar variation 3221557 (VCV003221557.1), dbSNP rs2103669255, ClinGen allele CA346704344.
Genomic context (GRCh38, chr2:46,378,760, plus strand): 5'-TGAAGATTGAAGTGATTGAGAAGCTCTTCGCCATGGACACAGAGGCCAAGGACCAATGCA[G>A]TACCCAGGTAGATGGCTGTGGAGATCAGGCTAGGGTGTGTGCCTGCTGTCTGGTGGACAG-3'
Protein context (NP_001421.2, residues 506-526): AMDTEAKDQC[Ser516Asn]TQTDFNELDL